The following is an entry in ClinVar:

ClinVar aggregate classification (germline): Conflicting classifications of pathogenicity. Review status: criteria provided, conflicting classifications (1 of 4 stars). 5 submissions from 5 submitters: Uncertain significance (4); Likely benign (1). Last evaluated 2024-08-20.

Conditions:
MELANESIAN BLOND HAIR (SHEP11). Also called: Skin/hair/eye pigmentation, variation in, 11; SKIN/HAIR/EYE PIGMENTATION 11, BLUE/NONBLUE EYES. Identifiers: MedGen C2677086, OMIM 612271.
Oculocutaneous albinism type 3 (OCA3). Also called: ALBINISM III; RUFOUS OCULOCUTANEOUS ALBINISM; XANTHISM; Albinism, oculocutaneous, type III; Rufous OCA; Rufous albinism. Identifiers: Orphanet 79433, MedGen C0342683, MONDO:0008747, OMIM 203290.

Allele frequency attached by ClinVar (database versions not stated): ESP Exome Variant Server 0.00015; ExAC 0.00029; gnomAD exomes 0.00032 and 0.00037; gnomAD 0.00036 and 0.00038; 1000 Genomes Project 0.00040; 1000 Genomes Project 30x 0.00047; TOPMed 0.00047.

Submissions (5):

Blueprint Genetics
Classification: Likely benign. Last evaluated: 2024-08-20. Review status: criteria provided, single submitter. Criteria: ACMG Guidelines, 2015. Collection method: clinical testing. Allele origin: germline.

Labcorp Genetics (formerly Invitae), Labcorp
Classification: Uncertain significance. Last evaluated: 2022-10-17. Review status: criteria provided, single submitter. Criteria: Invitae Variant Classification Sherloc (09022015). Collection method: clinical testing. Allele origin: germline.
Comment: This sequence change replaces arginine, which is basic and polar, with tryptophan, which is neutral and slightly polar, at codon 471 of the TYRP1 protein (p.Arg471Trp). This variant is present in population databases (rs138272660, gnomAD 0.1%). This variant has not been reported in the literature in individuals affected with TYRP1-related conditions. ClinVar contains an entry for this variant (Variation ID: 212528). Algorithms developed to predict the effect of missense changes on protein structure and function are either unavailable or do not agree on the potential impact of this missense change (SIFT: "Deleterious"; PolyPhen-2: "Possibly Damaging"; Align-GVGD: "Class C0"). In summary, the available evidence is currently insufficient to determine the role of this variant in disease. Therefore, it has been classified as a Variant of Uncertain Significance.

Fulgent Genetics
Classification: Uncertain significance for Oculocutaneous albinism type 3; MELANESIAN BLOND HAIR. Last evaluated: 2021-07-26. Review status: criteria provided, single submitter. Criteria: ACMG Guidelines, 2015. Collection method: clinical testing. Allele origin: unknown.

Illumina Laboratory Services, Illumina
Classification: Uncertain significance for Oculocutaneous albinism type 3. Last evaluated: 2017-05-01. Review status: criteria provided, single submitter. Criteria: ICSL Variant Classification Criteria 13 December 2019. Collection method: clinical testing. Allele origin: germline.
Comment: This variant was observed as part of a predisposition screen in an ostensibly healthy population. A literature search was performed for the gene, cDNA change, and amino acid change (where applicable). Publications were found based on this search. However, the evidence from the literature, in combination with allele frequency data from public databases where available, was not sufficient to rule this variant in or out of causing disease. Therefore, this variant is classified as a variant of unknown significance.

Genetic Services Laboratory, University of Chicago
Classification: Uncertain significance. Last evaluated: 2015-05-15. Review status: criteria provided, single submitter. Criteria: ACMG Guidelines, 2015. Collection method: clinical testing. Allele origin: germline.

Literature cited by the submitters: PubMed 23862152 (cited by Illumina Laboratory Services, Illumina).

NM_000550.3(TYRP1):c.1411C>T (p.Arg471Trp)

Genes: LURAP1L-AS1 (LURAP1L antisense RNA 1; minus strand), TYRP1 (tyrosinase related protein 1; plus strand). Cytogenetic location: 9p23.
Variant type: single nucleotide variant.
Coding change: c.1411C>T on transcript NM_000550.3 (MANE Select); coding-DNA position 1411, C replaced by T.
Protein change: p.Arg471Trp; replaces arginine 471 with tryptophan.
Molecular consequence: missense variant.
Genome position (GRCh38, 1-based): chr9:12,708,979, C>T. VCF-style: chr9-12708979-C-T. GRCh37 (hg19) VCF-style: chr9-12708979-C-T.
Other names: short protein forms R471W.
Identifiers: ClinVar variation 212528 (VCV000212528.14), dbSNP rs138272660, ClinGen allele CA207132.